The following is an entry in ClinVar:

ClinVar aggregate classification (germline): Conflicting classifications of pathogenicity. Review status: criteria provided, conflicting classifications (1 of 4 stars). 5 submissions from 5 submitters: Uncertain significance (3); Likely benign (2). Last evaluated 2026-05-11.

Conditions:
Epithelial recurrent erosion dystrophy (ERED). Also called: CORNEAL EROSIONS, RECURRING HEREDITARY. Identifiers: Orphanet 293381, MedGen C1852551, MONDO:0007381, OMIM 122400.
Junctional epidermolysis bullosa, non-Herlitz type. Also called: EPIDERMOLYSIS BULLOSA JUNCTIONALIS, DISENTIS TYPE; EPIDERMOLYSIS BULLOSA JUNCTIONALIS, NON-HERLITZ TYPE; EPIDERMOLYSIS BULLOSA JUNCTIONALIS, PROGRESSIVE; EPIDERMOLYSIS BULLOSA JUNCTIONALIS, SEVERE NONLETHAL; Adult junctional epidermolysis bullosa; COL17A1-Related Junctional Epidermolysis Bullosa. Identifiers: Orphanet 251393, Orphanet 79402, Orphanet 79405, Orphanet 89840, MedGen C0268374, MONDO:0009180, OMIM 226650.
COL17A1-related disorder. Also called: COL17A1-related condition.

Allele frequency attached by ClinVar (database versions not stated): TOPMed 0.00045; 1000 Genomes Project 30x 0.00047; 1000 Genomes Project 0.00060.
gnomAD v4.1: 1,156 of 1,612,418 alleles (0.072%); highest among the groups gnomAD compares: Non-Finnish European, 0.074%; 1 homozygote.

Submissions (5):

PreventionGenetics, part of Exact Sciences
Classification: Likely benign for COL17A1-related condition. Last evaluated: 2026-05-11. Review status: criteria provided, single submitter. Criteria: ACMG Guidelines, 2015. Collection method: clinical testing. Allele origin: germline.
Comment: This variant is classified as likely benign based on ACMG/AMP sequence variant interpretation guidelines (Richards et al. 2015 PMID: 25741868, with internal and published modifications).

Labcorp Genetics (formerly Invitae), Labcorp
Classification: Likely benign. Last evaluated: 2025-03-27. Review status: criteria provided, single submitter. Criteria: Invitae Variant Classification Sherloc (09022015). Collection method: clinical testing. Allele origin: germline.

Neuberg Centre For Genomic Medicine, NCGM
Classification: Uncertain significance for Epithelial recurrent erosion dystrophy. Last evaluated: 2023-06-22. Review status: criteria provided, single submitter. Criteria: ACMG Guidelines, 2015. Collection method: clinical testing. Allele origin: germline. Inheritance: Autosomal dominant inheritance. Affected: yes.
Comment: The missense c.1339G>T (p.Gly447Cys) variant in COL17A1 gene has been reported previously in an individual affected with COL17A1-related disorders (Lucky et al., 2018). The p.Gly447Cys variant is present with allele frequency of 0.06% in gnomAD Exomes. This variant has been submitted to the ClinVar database as Likely Benign/ Uncertain Significance. Multiple lines of computational evidence (Polyphen - Probably Damaging, SIFT - Damaging and MutationTaster - Disease causing) predict a damaging effect on protein structure and function for this variant. The reference amino acid at this position in COL17A1 is predicted as conserved by GERP++ and PhyloP across 100 vertebrates. The amino acid Gly at position 447 is changed to a Cys changing protein sequence and it might alter its composition and physico-chemical properties. For these reasons, this variant has been classified as Variant of Uncertain Significance (VUS).

GeneDx
Classification: Uncertain significance. Last evaluated: 2023-01-09. Review status: criteria provided, single submitter. Criteria: GeneDx Variant Classification Process June 2021. Collection method: clinical testing. Allele origin: germline. Affected: yes.
Comment: In silico analysis supports that this missense variant has a deleterious effect on protein structure/function; Has not been previously published as pathogenic or benign to our knowledge; This variant is associated with the following publications: (PMID: 29334134)

Illumina Laboratory Services, Illumina
Classification: Uncertain significance for Junctional epidermolysis bullosa, non-Herlitz type. Last evaluated: 2018-01-13. Review status: criteria provided, single submitter. Criteria: ICSL Variant Classification Criteria 13 December 2019. Collection method: clinical testing. Allele origin: germline.

NM_000494.4(COL17A1):c.1339G>T (p.Gly447Cys)

Gene: COL17A1 (collagen type XVII alpha 1 chain; minus strand). Cytogenetic location: 10q25.1.
Variant type: single nucleotide variant.
Coding change: c.1339G>T on transcript NM_000494.4 (MANE Select); coding-DNA position 1339, G replaced by T.
Protein change: p.Gly447Cys; replaces glycine 447 with cysteine.
Molecular consequence: missense variant.
Genome position (GRCh38, 1-based): chr10:104,057,101, C>A on the plus strand (G>T on the coding strand, the complement: COL17A1 is on the minus strand). VCF-style: chr10-104057101-C-A. GRCh37 (hg19) VCF-style: chr10-105816859-C-A.
Other names: c.1339G>T, p.Gly447Cys (LRG_1249t1); short protein forms G447C.
Identifiers: ClinVar variation 298736 (VCV000298736.13), dbSNP rs200223042, ClinGen allele CA5679060.
Genomic context (GRCh38, chr10:104,057,101, plus strand): 5'-ACTTCCACCAGCTGCAGCAGGAGCCGCAGGGGCACCAGGCTGGCGCTGGTCCCCAAGGGC[C>A]GCCGCCAGCGCCACCAACACCGCCACCTCCTCCACTGCCACCACCACCACTGCTGCCGTA-3'
Protein context (NP_000485.3, residues 437-457): GGGGVGGAGG[Gly447Cys]PWGPAPAWCP